The following is an entry in ClinVar:

ClinVar aggregate classification (germline): Uncertain significance (1 of 4 stars; one submission).

Conditions:
DICER1-related tumor predisposition. Also called: DICER1 syndrome; DICER1-related pleuropulmonary blastoma cancer predisposition syndrome. Identifiers: Orphanet 284343, MedGen C3839822, MONDO:0100216.

Submission:

Labcorp Genetics (formerly Invitae), Labcorp
Classification: Uncertain significance for DICER1-related tumor predisposition. Last evaluated: 2020-12-30. Review status: criteria provided, single submitter. Criteria: Invitae Variant Classification Sherloc (09022015). Collection method: clinical testing. Allele origin: germline.
Comment: In summary, the available evidence is currently insufficient to determine the role of this variant in disease. Therefore, it has been classified as a Variant of Uncertain Significance. Algorithms developed to predict the effect of missense changes on protein structure and function are either unavailable or do not agree on the potential impact of this missense change (SIFT: "Tolerated"; PolyPhen-2: "Probably Damaging"; Align-GVGD: "Class C0"). This variant has not been reported in the literature in individuals with DICER1-related disease. This variant is not present in population databases (ExAC no frequency). This sequence change replaces alanine with glycine at codon 639 of the DICER1 protein (p.Ala639Gly). The alanine residue is moderately conserved and there is a small physicochemical difference between alanine and glycine.

NM_177438.3(DICER1):c.1916_1917delinsGA (p.Ala639Gly)

Gene: DICER1 (dicer 1, ribonuclease III; minus strand). Cytogenetic location: 14q32.13.
Variant type: Indel.
Coding change: c.1916_1917delinsGA on transcript NM_177438.3 (MANE Select); coding-DNA positions 1916 to 1917, CT replaced by GA.
Protein change: p.Ala639Gly; replaces alanine 639 with glycine.
Molecular consequence: missense variant.
Genome position (GRCh38, 1-based): chr14:95,113,215-95,113,216, AG replaced by TC on the plus strand (CT replaced by GA on the coding strand, the reverse complement: DICER1 is on the minus strand). VCF-style: chr14-95113215-AG-TC. GRCh37 (hg19) VCF-style: chr14-95579552-AG-TC.
Other names: c.1916_1917delCTinsGA (NM_177438.2); c.1916_1917delinsGA, p.Ala639Gly (NM_001195573.1, NM_001271282.3, NM_001291628.2 and 1 more transcripts); short protein forms A639G.
Identifiers: ClinVar variation 654167 (VCV000654167.8), dbSNP rs1595397229, ClinGen allele CA915946404.